The following is an entry in ClinVar:

NM_002335.4(LRP5):c.3162C>A (p.Ser1054Arg)

Gene: LRP5 (LDL receptor related protein 5; plus strand). Cytogenetic location: 11q13.2.
Variant type: single nucleotide variant.
Coding change: c.3162C>A on transcript NM_002335.4 (MANE Select); coding-DNA position 3162, C replaced by A.
Protein change: p.Ser1054Arg; replaces serine 1054 with arginine.
Molecular consequence: missense variant.
Genome position (GRCh38, 1-based): chr11:68,423,623, C>A. VCF-style: chr11-68423623-C-A. GRCh37 (hg19) VCF-style: chr11-68191091-C-A.
Other names: c.1419C>A, p.Ser473Arg (NM_001291902.2); short protein forms S1054R, S473R.
Identifiers: ClinVar variation 1683591 (VCV001683591.2), dbSNP rs762600156, ClinGen allele CA381620847.

ClinVar aggregate classification (germline): Uncertain significance (1 of 4 stars; one submission).

Conditions:
Autosomal dominant osteopetrosis 1 (OPTA1). Also called: OSTEOPETROSIS, AUTOSOMAL DOMINANT, TYPE I. Identifiers: Orphanet 2783, MedGen C1843330, MONDO:0011877, OMIM 607634.

Submission:

Laboratorio de Genetica e Diagnostico Molecular, Hospital Israelita Albert Einstein
Classification: Uncertain significance for Autosomal dominant osteopetrosis 1. Last evaluated: 2021-08-31. Review status: criteria provided, single submitter. Criteria: ACMG Guidelines, 2015. Collection method: clinical testing. Allele origin: germline. Affected: yes.
Comment: ACMG classification criteria: PM2 moderate, BP4 supporting